The following is an entry in ClinVar:

NM_005633.4(SOS1):c.87+10A>G

Genes: SOS1 (SOS Ras/Rac guanine nucleotide exchange factor 1; minus strand), LOC129933535 (ATAC-STARR-seq lymphoblastoid silent region 11384; plus strand). Cytogenetic location: 2p22.1.
Variant type: single nucleotide variant.
Coding change: c.87+10A>G on transcript NM_005633.4 (MANE Select); 10 bases into the intron after coding-DNA position 87, A replaced by G.
Molecular consequence: intron variant.
Genome position (GRCh38, 1-based): chr2:39,120,326, T>C on the plus strand (A>G on the coding strand, the complement: SOS1 is on the minus strand). VCF-style: chr2-39120326-T-C. GRCh37 (hg19) VCF-style: chr2-39347467-T-C.
Other names: c.87+10A>G (NM_005633.3, NM_001382395.1); c.66+4338A>G (NM_001382394.1).
Identifiers: ClinVar variation 1936151 (VCV001936151.7), dbSNP rs747970732, ClinGen allele CA1624886.
Genomic context (GRCh38, chr2:39,120,326, plus strand): 5'-TCCCCAGCCCTTCCCCAGCGCCCGCGCTGGGGGGCTGCGGCCGGGAAGCGGGGTCCCGCG[T>C]GCTCCTCACCTTTTTCAGCGCAGGCACCAGTAGTCCCCGCCACTTGGGCGCGTTCTCTTC-3'

ClinVar aggregate classification (germline): Likely benign. Review status: criteria provided, multiple submitters, no conflicts (2 of 4 stars). 3 submissions from 3 submitters: Likely benign (3). Last evaluated 2026-03-19.

Conditions:
SOS1-related disorder. Also called: SOS1-related condition.
RASopathy. Also called: rasopathies; Noonan spectrum disorder. Identifiers: Orphanet 536391, MedGen C5555857, MONDO:0021060.

Allele frequency attached by ClinVar (database versions not stated): ExAC 0.00001; gnomAD 0.00001; TOPMed 0.00001; gnomAD exomes 0.00002.
gnomAD v4.1: 31 of 1,570,614 alleles (0.002%); highest among the groups gnomAD compares: Non-Finnish European, 0.0022%; no homozygotes.

Submissions (3):

PreventionGenetics, part of Exact Sciences
Classification: Likely benign for SOS1-related condition. Last evaluated: 2026-03-19. Review status: criteria provided, single submitter. Criteria: ACMG Guidelines, 2015. Collection method: clinical testing. Allele origin: germline.
Comment: This variant is classified as likely benign based on ACMG/AMP sequence variant interpretation guidelines (Richards et al. 2015 PMID: 25741868, with internal and published modifications).

Labcorp Genetics (formerly Invitae), Labcorp
Classification: Likely benign for RASopathy. Last evaluated: 2024-08-05. Review status: criteria provided, single submitter. Criteria: Invitae Variant Classification Sherloc (09022015). Collection method: clinical testing. Allele origin: germline.

Blueprint Genetics
Classification: Likely benign. Last evaluated: 2024-06-27. Review status: criteria provided, single submitter. Criteria: ACMG Guidelines, 2015. Collection method: clinical testing. Allele origin: germline.